The following is an entry in ClinVar:

NM_001374385.1(ATP8B1):c.2286-4_2286-3delinsAA

Genes: ATP8B1 (ATPase phospholipid transporting 8B1; minus strand), ATP8B1-AS1 (ATP8B1 antisense RNA 1; plus strand). Cytogenetic location: 18q21.31.
Variant type: Indel.
Coding change: c.2286-4_2286-3delinsAA on transcript NM_001374385.1 (MANE Select); 4 bases into the intron before coding-DNA position 2286 through 3 bases into the intron before coding-DNA position 2286, CT replaced by AA.
Molecular consequence: intron variant.
Genome position (GRCh38, 1-based): chr18:57,662,618-57,662,619, AG replaced by TT on the plus strand (CT replaced by AA on the coding strand, the reverse complement: ATP8B1 is on the minus strand). VCF-style: chr18-57662618-AG-TT. GRCh37 (hg19) VCF-style: chr18-55329850-AG-TT.
Other names: c.2286-4_2286-3delinsAA (NM_005603.6); c.2136-4_2136-3delinsAA (NM_001374386.1).
Identifiers: ClinVar variation 4846323 (VCV004846323.1).

ClinVar aggregate classification (germline): Uncertain significance (1 of 4 stars; one submission).

Conditions:
Familial intrahepatic cholestasis. Identifiers: Orphanet 284385, MedGen CN296401, MONDO:0017290.

Submission:

Genomenon, Inc
Classification: Uncertain significance for Familial intrahepatic cholestasis. Last evaluated: 2026-04-14. Review status: criteria provided, single submitter. Criteria: Genomenon Sequence Variant Interpretation Standards - Updated. Collection method: curation. Allele origin: germline. Affected: yes.
Comment: ATP8B1 c.2286-4_2286-3delinsAA is a deletion-insertion variant that affects the acceptor splice region of intron 21. This variant has been reported in at least one proband with features of ATP8B1-deficiency (PMID:9500542). Splicing studies have been reported (PMID:9500542;25421123). It is absent or not present at a significant frequency in gnomAD. In conclusion, we classify ATP8B1 c.2286-4_2286-3delinsAA as a variant of uncertain significance.

Literature cited by the submitters: PubMed 9500542; PubMed 25421123.